The following is an entry in ClinVar:

ClinVar aggregate classification (germline): Conflicting classifications of pathogenicity. Review status: criteria provided, conflicting classifications (1 of 4 stars). 2 submissions from 2 submitters: Uncertain significance (1); Likely benign (1). Last evaluated 2023-10-04.

Conditions:
PLCE1-related disorder. Also called: PLCE1-related condition.

Allele frequency attached by ClinVar (database versions not stated): ExAC 0.00007.
gnomAD v4.1: 111 of 1,613,728 alleles (0.0069%); highest among the groups gnomAD compares: Non-Finnish European, 0.0058%; no homozygotes.

Submissions (2):

Labcorp Genetics (formerly Invitae), Labcorp
Classification: Likely benign. Last evaluated: 2023-10-04. Review status: criteria provided, single submitter. Criteria: Invitae Variant Classification Sherloc (09022015). Collection method: clinical testing. Allele origin: germline.

PreventionGenetics, part of Exact Sciences
Classification: Uncertain significance for PLCE1-related condition. Last evaluated: 2022-12-16. Review status: criteria provided, single submitter. Criteria: ACMG Guidelines, 2015. Collection method: clinical testing. Allele origin: germline.
Comment: The PLCE1 c.5115G>A variant is not predicted to result in an amino acid change (p.=). To our knowledge, this variant has not been reported in the literature. This variant is reported in 0.070% of alleles in individuals of Ashkenazi Jewish descent in gnomAD. At this time, the clinical significance of this variant is uncertain due to the absence of conclusive functional and genetic evidence.

NM_016341.4(PLCE1):c.5115G>A (p.Pro1705=)

Gene: PLCE1 (phospholipase C epsilon 1; plus strand). Cytogenetic location: 10q23.33.
Variant type: single nucleotide variant.
Coding change: c.5115G>A on transcript NM_016341.4 (MANE Select); coding-DNA position 5115, G replaced by A.
Protein change: p.Pro1705=; no amino-acid change (proline 1705 retained).
Molecular consequence: synonymous variant.
Genome position (GRCh38, 1-based): chr10:94,293,587, G>A. VCF-style: chr10-94293587-G-A. GRCh37 (hg19) VCF-style: chr10-96053344-G-A.
Other names: c.4191G>A, p.Pro1397= (NM_001165979.2); c.5067G>A, p.Pro1689= (NM_001288989.2).
Identifiers: ClinVar variation 2634683 (VCV002634683.4), dbSNP rs751378446, ClinGen allele CA5613289.